The following is an entry in ClinVar:

NM_000535.7(PMS2):c.1948del (p.Ala650fs)

Gene: PMS2 (PMS1 homolog 2, mismatch repair system component; minus strand). Cytogenetic location: 7p22.1.
Variant type: Deletion.
Coding change: c.1948del on transcript NM_000535.7 (MANE Select); coding-DNA position 1948, one base deleted (G; older notation c.1948delG).
Protein change: p.Ala650fs; shifts the reading frame from alanine 650.
Molecular consequence: frameshift variant. On other transcripts: non-coding transcript variant (1), intron variant (1).
Genome position (GRCh38, 1-based): chr7:5,986,817, C deleted on the plus strand (G on the coding strand, the reverse complement: PMS2 is on the minus strand); the first of 3 consecutive C bases (chr7:5,986,817-5,986,819); deleting any one gives the same sequence. VCF-style (leftmost placement, unchanged base first): chr7-5986816-GC-G. GRCh37 (hg19) VCF-style: chr7-6026447-GC-G.
Other names: c.1543del, p.Ala515fs (NM_001322003.2, NM_001322004.2, NM_001322005.2 and 16 more transcripts); c.1792del, p.Ala598fs (NM_001322006.2, NM_001406870.1); c.1630del, p.Ala544fs (NM_001322007.2, NM_001322008.2, NM_001406876.1 and 2 more transcripts); c.1639del, p.Ala547fs (NM_001322015.2, NM_001406875.1, NM_001406877.1 and 5 more transcripts); c.2134del, p.Ala712fs (NM_001406866.1); c.1972del, p.Ala658fs (NM_001406868.1); c.1840del, p.Ala614fs (NM_001406869.1); c.1948del, p.Ala650fs (NM_001406871.1, NM_001406872.1, NM_001322014.2); and 14 more; short protein forms A463fs, A528fs, A538fs, A544fs, A339fs, A459fs, A479fs, A542fs.
Identifiers: ClinVar variation 4667719 (VCV004667719.1).

ClinVar aggregate classification (germline): Pathogenic (1 of 4 stars; one submission).

Conditions:
Hereditary cancer-predisposing syndrome. Also called: Neoplastic Syndromes, Hereditary; Tumor predisposition; Hereditary Cancer Syndrome; Hereditary neoplastic syndrome. Identifiers: Orphanet 140162, MedGen C0027672, MeSH D009386, MONDO:0015356.

Submission:

Ambry Genetics
Classification: Pathogenic for Hereditary cancer-predisposing syndrome. Last evaluated: 2025-12-12. Review status: criteria provided, single submitter. Criteria: Ambry Variant Classification Scheme 2023. Collection method: clinical testing. Allele origin: germline.
Comment: The c.1948delG pathogenic mutation, located in coding exon 11 of the PMS2 gene, results from a deletion of one nucleotide at nucleotide position 1948, causing a translational frameshift with a predicted alternate stop codon (p.A650Qfs*15). This variant is considered to be rare based on population cohorts in the Genome Aggregation Database (gnomAD). This alteration is expected to result in loss of function by premature protein truncation or nonsense-mediated mRNA decay. As such, this alteration is interpreted as a disease-causing mutation.